The following is an entry in ClinVar:

NM_001375567.1(FOCAD):c.4802C>G (p.Thr1601Ser)

Gene: FOCAD (focadhesin; plus strand). Cytogenetic location: 9p21.3.
Variant type: single nucleotide variant.
Coding change: c.4802C>G on transcript NM_001375567.1 (MANE Select); coding-DNA position 4802, C replaced by G.
Protein change: p.Thr1601Ser; replaces threonine 1601 with serine.
Molecular consequence: missense variant.
Genome position (GRCh38, 1-based): chr9:20,986,361, C>G. VCF-style: chr9-20986361-C-G. GRCh37 (hg19) VCF-style: chr9-20986360-C-G.
Other names: c.4697C>G, p.Thr1566Ser (NM_001375568.1, NM_001375570.1); c.4802C>G, p.Thr1601Ser (NM_017794.5); short protein forms T1566S, T1601S.
Identifiers: ClinVar variation 4798878 (VCV004798878.1).

ClinVar aggregate classification (germline): Uncertain significance (1 of 4 stars; one submission).

gnomAD v4.1: 15 of 1,594,048 alleles (0.00094%); highest among the groups gnomAD compares: African/African-American, 0.021%; no homozygotes.

Submission:

Labcorp Genetics (formerly Invitae), Labcorp
Classification: Uncertain significance. Last evaluated: 2025-10-15. Review status: criteria provided, single submitter. Criteria: Invitae Variant Classification Sherloc (09022015). Collection method: clinical testing. Allele origin: germline.
Comment: This sequence change replaces threonine, which is neutral and polar, with serine, which is neutral and polar, at codon 1601 of the FOCAD protein (p.Thr1601Ser). This variant is present in population databases (rs140731330, gnomAD 0.03%). This variant has not been reported in the literature in individuals affected with FOCAD-related conditions. An algorithm developed to predict the effect of missense changes on protein structure and function outputs the following: PolyPhen-2: "Not Available". The serine amino acid residue is found in multiple mammalian species, which suggests that this missense change does not adversely affect protein function. In summary, the available evidence is currently insufficient to determine the role of this variant in disease. Therefore, it has been classified as a Variant of Uncertain Significance.